The following is an entry in ClinVar:

NM_006361.6(HOXB13):c.74G>T (p.Arg25Leu)

Gene: HOXB13 (homeobox B13; minus strand). Cytogenetic location: 17q21.32.
Variant type: single nucleotide variant.
Coding change: c.74G>T on transcript NM_006361.6 (MANE Select); coding-DNA position 74, G replaced by T.
Protein change: p.Arg25Leu; replaces arginine 25 with leucine.
Molecular consequence: missense variant.
Genome position (GRCh38, 1-based): chr17:48,728,520, C>A on the plus strand (G>T on the coding strand, the complement: HOXB13 is on the minus strand). VCF-style: chr17-48728520-C-A. GRCh37 (hg19) VCF-style: chr17-46805882-C-A.
Other names: short protein forms R25L.
Identifiers: ClinVar variation 3858427 (VCV003858427.1).

ClinVar aggregate classification (germline): Uncertain significance (1 of 4 stars; one submission).

Conditions:
Hereditary cancer-predisposing syndrome. Also called: Hereditary neoplastic syndrome; Neoplastic Syndromes, Hereditary; Tumor predisposition; Hereditary Cancer Syndrome. Identifiers: Orphanet 140162, MedGen C0027672, MeSH D009386, MONDO:0015356.

Submission:

Ambry Genetics
Classification: Uncertain significance for Hereditary cancer-predisposing syndrome. Last evaluated: 2025-01-06. Review status: criteria provided, single submitter. Criteria: Ambry Variant Classification Scheme 2023. Collection method: clinical testing. Allele origin: germline.
Comment: The p.R25L variant (also known as c.74G>T), located in coding exon 1 of the HOXB13 gene, results from a G to T substitution at nucleotide position 74. The arginine at codon 25 is replaced by leucine, an amino acid with dissimilar properties. This amino acid position is conserved. In addition, the in silico prediction for this alteration is inconclusive. Based on the available evidence, the clinical significance of this variant remains unclear.